The following is an entry in ClinVar:

NM_003803.4(MYOM1):c.1858C>T (p.Pro620Ser)

Gene: MYOM1 (myomesin 1; minus strand). Cytogenetic location: 18p11.31.
Variant type: single nucleotide variant.
Coding change: c.1858C>T on transcript NM_003803.4 (MANE Select); coding-DNA position 1858, C replaced by T.
Protein change: p.Pro620Ser; replaces proline 620 with serine.
Molecular consequence: missense variant.
Genome position (GRCh38, 1-based): chr18:3,149,187, G>A on the plus strand (C>T on the coding strand, the complement: MYOM1 is on the minus strand). VCF-style: chr18-3149187-G-A. GRCh37 (hg19) VCF-style: chr18-3149185-G-A.
Other names: c.1858C>T, p.Pro620Ser (NM_019856.2); short protein forms P620S.
Identifiers: ClinVar variation 1408341 (VCV001408341.6), dbSNP rs759939330, ClinGen allele CA8874823.

ClinVar aggregate classification (germline): Uncertain significance (1 of 4 stars; one submission).

Conditions:
Hypertrophic cardiomyopathy. Also called: HYPERTROPHIC MYOCARDIOPATHY. Identifiers: Orphanet 217569, MedGen C0007194, MeSH D002312, MONDO:0005045, HP:0001639.

Allele frequency attached by ClinVar (database versions not stated): ExAC 0.00001; gnomAD exomes 0.00001.
gnomAD v4.1: 15 of 1,612,870 alleles (0.00093%); highest among the groups gnomAD compares: South Asian, 0.015%; no homozygotes.

Submission:

Labcorp Genetics (formerly Invitae), Labcorp
Classification: Uncertain significance for Hypertrophic cardiomyopathy. Last evaluated: 2021-11-20. Review status: criteria provided, single submitter. Criteria: Invitae Variant Classification Sherloc (09022015). Collection method: clinical testing. Allele origin: germline.
Comment: In summary, the available evidence is currently insufficient to determine the role of this variant in disease. Therefore, it has been classified as a Variant of Uncertain Significance. Algorithms developed to predict the effect of missense changes on protein structure and function are either unavailable or do not agree on the potential impact of this missense change (SIFT: "Tolerated"; PolyPhen-2: "Probably Damaging"; Align-GVGD: "Class C0"). This variant has not been reported in the literature in individuals affected with MYOM1-related conditions. This variant is present in population databases (rs759939330, gnomAD 0.01%). This sequence change replaces proline, which is neutral and non-polar, with serine, which is neutral and polar, at codon 620 of the MYOM1 protein (p.Pro620Ser).